The following is an entry in ClinVar:

ClinVar aggregate classification (germline): Benign (0 of 4 stars; one submission).

Conditions:
CUX1-related disorder. Also called: CUX1-related condition.

Allele frequency attached by ClinVar (database versions not stated): 1000 Genomes Project 30x 0.02514; 1000 Genomes Project 0.02596; TOPMed 0.04256; gnomAD 0.04683; ESP Exome Variant Server 0.05044; ExAC 0.05273; gnomAD exomes 0.06701.
gnomAD v4.1: 101,050 of 1,563,538 alleles (6.5%); highest among the groups gnomAD compares: Non-Finnish European, 7.4%; 3,863 homozygotes.

Submission:

PreventionGenetics, part of Exact Sciences
Classification: Benign for CUX1-related condition. Last evaluated: 2019-12-04. Review status: no assertion criteria provided. Collection method: clinical testing. Allele origin: germline.
Comment: This variant is classified as benign based on ACMG/AMP sequence variant interpretation guidelines (Richards et al. 2015 PMID: 25741868, with internal and published modifications).

NM_181552.4(CUX1):c.141+8G>A

Gene: CUX1 (cut like homeobox 1; plus strand). Cytogenetic location: 7q22.1.
Variant type: single nucleotide variant.
Coding change: c.141+8G>A on transcript NM_181552.4 (MANE Select); 8 bases into the intron after coding-DNA position 141, G replaced by A.
Molecular consequence: intron variant.
Genome position (GRCh38, 1-based): chr7:101,916,233, G>A. VCF-style: chr7-101916233-G-A. GRCh37 (hg19) VCF-style: chr7-101559513-G-A.
Other names: c.174+8G>A (NM_001913.5, NM_181500.4, NM_001202545.3 and 2 more transcripts); c.63+100140G>A (NM_001202546.3).
Identifiers: ClinVar variation 3060457 (VCV003060457.2), dbSNP rs56091128, ClinGen allele CA4410347.
Genomic context (GRCh38, chr7:101,916,233, plus strand): 5'-CCAGAAAGCGGCTTATCGAACAGAGCCGGGAGTTCAAGAAGAACACTCCAGAGGTGAGGC[G>A]CGTGACCATCGTGTTCGCTTTGAAGGGATCTTAGAATGCTGGTGCATGTTCAGGCGACGC-3'